The following is an entry in ClinVar:

NM_001379451.1(BCORL1):c.985G>C (p.Val329Leu)

Gene: BCORL1 (BCL6 corepressor like 1; plus strand). Cytogenetic location: Xq26.1.
Variant type: single nucleotide variant.
Coding change: c.985G>C on transcript NM_001379451.1 (MANE Select); coding-DNA position 985, G replaced by C.
Protein change: p.Val329Leu; replaces valine 329 with leucine.
Molecular consequence: missense variant.
Genome position (GRCh38, 1-based): chrX:130,013,757, G>C. VCF-style: chrX-130013757-G-C. GRCh37 (hg19) VCF-style: chrX-129147733-G-C.
Other names: c.985G>C, p.Val329Leu (NM_001184772.3, NM_001379450.1, NM_021946.5); short protein forms V329L.
Identifiers: ClinVar variation 432810 (VCV000432810.26), dbSNP rs373673739, ClinGen allele CA10514198.
Genomic context (GRCh38, chrX:130,013,757, plus strand): 5'-GTTTCAGCTCCTCCCTTGGCTCTCATCCAGGCTCCTGTGCCCCCTTCAGCTCCGACCTTG[G>C]TTCTCGCTCCCGTCCCCACTCCGGTTCTGGCTCCCATGCCAGCATCCACGCCTCCAGCGG-3'
Protein context (NP_001366380.1, residues 319-339): APVPPSAPTL[Val329Leu]LAPVPTPVLA

ClinVar aggregate classification (germline): Uncertain significance. Review status: criteria provided, multiple submitters, no conflicts (2 of 4 stars). 3 submissions from 3 submitters: Uncertain significance (3). Last evaluated 2023-11-01.

Conditions:
Shukla-Vernon syndrome. Identifiers: MedGen C5193146, MONDO:0026727, OMIM 301029.

Allele frequency attached by ClinVar (database versions not stated): gnomAD exomes 0.00001 and 0.00011; gnomAD 0.00004; TOPMed 0.00005; ExAC 0.00007; ESP Exome Variant Server 0.00010.
gnomAD v4.1: 119 of 1,181,852 alleles (0.01%); highest among the groups gnomAD compares: Non-Finnish European, 0.013%; no homozygotes.

Submissions (3):

CeGaT Center for Human Genetics Tuebingen
Classification: Uncertain significance. Last evaluated: 2023-11-01. Review status: criteria provided, single submitter. Criteria: CeGaT Center For Human Genetics Tuebingen Variant Classification Criteria Version 2. Collection method: clinical testing. Allele origin: germline. Affected: yes. Observed: 1 variant allele.
Comment: BCORL1: PM2

Fulgent Genetics
Classification: Uncertain significance for Shukla-Vernon syndrome. Last evaluated: 2021-07-19. Review status: criteria provided, single submitter. Criteria: ACMG Guidelines, 2015. Collection method: clinical testing. Allele origin: unknown.

GeneDx
Classification: Uncertain significance. Last evaluated: 2017-06-20. Review status: criteria provided, single submitter. Criteria: GeneDx Variant Classification (06012015). Collection method: clinical testing. Allele origin: germline. Affected: yes.
Comment: The V329L variant in the BCORL1 gene has not been reported previously as a pathogenic variant, nor as a benign variant, to our knowledge. This variant is not observed at a significant frequency in large population cohorts (Lek et al., 2016; 1000 Genomes Consortium et al., 2015; Exome Variant Server). The V329L variant is a conservative amino acid substitution, which is not likely to impact secondary protein structure as these residues share similar properties. This substitution occurs at a position that is conserved in mammals. In silico analysis predicts this variant likely does not alter the protein structure/function. Based on currently available evidence, we interpret V329L as a variant of uncertain significance.